The following is an entry in ClinVar:

NM_001003787.4(STRADA):c.54del (p.Lys18fs)

Gene: STRADA (STE20 related adaptor alpha; minus strand). Cytogenetic location: 17q23.3.
Variant type: Deletion.
Coding change: c.54del on transcript NM_001003787.4 (MANE Select); coding-DNA position 54, one base deleted (G; older notation c.54delG).
Protein change: p.Lys18fs; shifts the reading frame from lysine 18.
Molecular consequence: frameshift variant. On other transcripts: 5 prime UTR variant (3), intron variant (6), non-coding transcript variant (1).
Genome position (GRCh38, 1-based): chr17:63,726,678, C deleted on the plus strand (G on the coding strand, the reverse complement: STRADA is on the minus strand). VCF-style (leftmost placement, unchanged base first): chr17-63726677-AC-A. GRCh37 (hg19) VCF-style: chr17-61804037-AC-A.
Other names: c.-92del (NM_001003788.3, NM_001363790.1, NM_001363791.1); c.36+1656del (NM_001363787.1, NM_001411084.1, NM_001165969.2); c.54del, p.Lys18fs (NM_001165970.2, NM_001363788.1, NM_001411083.1 and 1 more transcripts); c.30del, p.Lys10fs (NM_001363786.1); c.12+1680del (NM_001363789.1, NM_001003786.3, NM_153335.6); short protein forms K10fs, K18fs.
Identifiers: ClinVar variation 3649917 (VCV003649917.2).

ClinVar aggregate classification (germline): Pathogenic (1 of 4 stars; one submission).

Conditions:
Polyhydramnios, megalencephaly, and symptomatic epilepsy (PMSE). Also called: PMSE SYNDROME. Identifiers: Orphanet 500533, MedGen C1970203, MONDO:0012611, OMIM 611087.

Submission:

Labcorp Genetics (formerly Invitae), Labcorp
Classification: Pathogenic for Polyhydramnios, megalencephaly, and symptomatic epilepsy. Last evaluated: 2024-04-15. Review status: criteria provided, single submitter. Criteria: Invitae Variant Classification Sherloc (09022015). Collection method: clinical testing. Allele origin: germline.
Comment: This sequence change creates a premature translational stop signal (p.Lys18Asnfs*7) in the STRADA gene. It is expected to result in an absent or disrupted protein product. Loss-of-function variants in STRADA are known to be pathogenic (PMID: 17522105, 27170158). This variant is not present in population databases (gnomAD no frequency). This variant has not been reported in the literature in individuals affected with STRADA-related conditions. For these reasons, this variant has been classified as Pathogenic.

Literature cited by the submitters: PubMed 17522105; PubMed 27170158.